The following is an entry in ClinVar:

NM_006031.6(PCNT):c.7681C>T (p.Arg2561Cys)

Gene: PCNT (pericentrin; plus strand). Cytogenetic location: 21q22.3.
Variant type: single nucleotide variant.
Coding change: c.7681C>T on transcript NM_006031.6 (MANE Select); coding-DNA position 7681, C replaced by T.
Protein change: p.Arg2561Cys; replaces arginine 2561 with cysteine.
Molecular consequence: missense variant.
Genome position (GRCh38, 1-based): chr21:46,428,581, C>T. VCF-style: chr21-46428581-C-T. GRCh37 (hg19) VCF-style: chr21-47848495-C-T.
Other names: c.7327C>T, p.Arg2443Cys (NM_001315529.2); short protein forms R2443C, R2561C.
Identifiers: ClinVar variation 4980231 (VCV004980231.1).
Genomic context (GRCh38, chr21:46,428,581, plus strand): 5'-CACTTGCGCACGGCGCTGACAAGCGCAGAGGCGCGCGGGAGCCAGCAGGAGCACCAGCTG[C>T]GCAGGCAGGGTGGGTGTCACTGTCTACACTGCCTGGGGCCCGGCCTCTGCACCTGCCCGC-3'
Protein context (NP_006022.3, residues 2551-2571): ARGSQQEHQL[Arg2561Cys]RQVELLAYKV

ClinVar aggregate classification (germline): Uncertain significance (1 of 4 stars; one submission).

Conditions:
PCNT-related disorder. Also called: PCNT-related condition.

gnomAD v4.1: 24 of 1,598,060 alleles (0.0015%); highest among the groups gnomAD compares: South Asian, 0.012%; no homozygotes.

Submission:

PreventionGenetics, part of Exact Sciences
Classification: Uncertain significance for PCNT-related condition. Last evaluated: 2026-02-27. Review status: criteria provided, single submitter. Criteria: ACMG Guidelines, 2015. Collection method: clinical testing. Allele origin: germline.
Comment: The PCNT c.7681C>T variant is predicted to result in the amino acid substitution p.Arg2561Cys. To our knowledge, this variant has not been reported in the literature. This variant is reported in 0.012% of alleles in individuals of East Asian descent in gnomAD. At this time, the clinical significance of this variant is uncertain due to the absence of conclusive functional and genetic evidence.